The following is an entry in ClinVar:

ClinVar aggregate classification (germline): Uncertain significance (1 of 4 stars; one submission).

Submission:

Labcorp Genetics (formerly Invitae), Labcorp
Classification: Uncertain significance. Last evaluated: 2021-05-27. Review status: criteria provided, single submitter. Criteria: Invitae Variant Classification Sherloc (09022015). Collection method: clinical testing. Allele origin: germline.
Comment: In summary, the available evidence is currently insufficient to determine the role of this variant in disease. Therefore, it has been classified as a Variant of Uncertain Significance. Algorithms developed to predict the effect of missense changes on protein structure and function output the following: SIFT: "Tolerated"; PolyPhen-2: "Benign"; Align-GVGD: "Class C0". The threonine amino acid residue is found in multiple mammalian species, suggesting that this missense change does not adversely affect protein function. These predictions have not been confirmed by published functional studies and their clinical significance is uncertain. This variant has not been reported in the literature in individuals with GPR179-related conditions. This variant is not present in population databases (ExAC no frequency). This sequence change replaces alanine with threonine at codon 2181 of the GPR179 protein (p.Ala2181Thr). The alanine residue is weakly conserved and there is a small physicochemical difference between alanine and threonine.

NM_001004334.4(GPR179):c.6541G>A (p.Ala2181Thr)

Gene: GPR179 (G protein-coupled receptor 179; minus strand). Cytogenetic location: 17q12.
Variant type: single nucleotide variant.
Coding change: c.6541G>A on transcript NM_001004334.4 (MANE Select); coding-DNA position 6541, G replaced by A.
Protein change: p.Ala2181Thr; replaces alanine 2181 with threonine.
Molecular consequence: missense variant.
Genome position (GRCh38, 1-based): chr17:38,327,028, C>T on the plus strand (G>A on the coding strand, the complement: GPR179 is on the minus strand). VCF-style: chr17-38327028-C-T. GRCh37 (hg19) VCF-style: chr17-36482911-C-T.
Other names: short protein forms A2181T.
Identifiers: ClinVar variation 1356705 (VCV001356705.8), dbSNP rs2144254279, ClinGen allele CA398869210.